The following is an entry in ClinVar:

NM_001164508.2(NEB):c.11473del (p.Val3825fs)

Gene: NEB (nebulin; minus strand). Cytogenetic location: 2q23.3.
Variant type: Deletion.
Coding change: c.11473del on transcript NM_001164508.2 (MANE Select); coding-DNA position 11473, one base deleted (G; older notation c.11473delG).
Protein change: p.Val3825fs; shifts the reading frame from valine 3825.
Molecular consequence: frameshift variant.
Genome position (GRCh38, 1-based): chr2:151,614,404, C deleted on the plus strand (G on the coding strand, the reverse complement: NEB is on the minus strand); the first of 2 consecutive C bases (chr2:151,614,404-151,614,405); deleting either gives the same sequence. VCF-style (leftmost placement, unchanged base first): chr2-151614403-AC-A. GRCh37 (hg19) VCF-style: chr2-152470917-AC-A.
Other names: c.11473del, p.Val3825fs (NM_001164507.2, NM_001271208.2); c.10744del, p.Val3582fs (NM_004543.5); short protein forms V3582fs, V3825fs.
Identifiers: ClinVar variation 1396147 (VCV001396147.6), dbSNP rs2153992255, ClinGen allele CA2573133423.

ClinVar aggregate classification (germline): Pathogenic (1 of 4 stars; one submission).

Conditions:
Nemaline myopathy 2 (NEM2). Also called: Nemaline myopathy 2, autosomal recessive. Identifiers: MedGen C1850569, MONDO:0009725, OMIM 256030.

Submission:

Labcorp Genetics (formerly Invitae), Labcorp
Classification: Pathogenic for Nemaline myopathy 2. Last evaluated: 2022-06-17. Review status: criteria provided, single submitter. Criteria: Invitae Variant Classification Sherloc (09022015). Collection method: clinical testing. Allele origin: germline.
Comment: For these reasons, this variant has been classified as Pathogenic. This variant has not been reported in the literature in individuals affected with NEB-related conditions. This variant is not present in population databases (gnomAD no frequency). This sequence change creates a premature translational stop signal (p.Val3825Cysfs*10) in the NEB gene. It is expected to result in an absent or disrupted protein product. Loss-of-function variants in NEB are known to be pathogenic (PMID: 25205138).

Literature cited by the submitters: PubMed 25205138.